The following is an entry in ClinVar:

NM_007118.4(TRIO):c.1368+2del

Gene: TRIO (trio Rho guanine nucleotide exchange factor; plus strand). Cytogenetic location: 5p15.2.
Variant type: Deletion.
Coding change: c.1368+2del on transcript NM_007118.4 (MANE Select); the canonical splice donor site of the intron after coding-DNA position 1368, one base deleted (T; older notation c.1368+2delT).
Molecular consequence: splice donor variant.
Genome position (GRCh38, 1-based): chr5:14,297,265, T deleted. VCF-style (leftmost placement, unchanged base first): chr5-14297264-GT-G. GRCh37 (hg19) VCF-style: chr5-14297373-GT-G.
Identifiers: ClinVar variation 4538329 (VCV004538329.1).
Genomic context (GRCh38, chr5:14,297,264, plus strand): 5'-CTGGATGAGCGGAGCACCTTGCTGGACATGTCCTCCATTTTCCACCAGAAGGCCGAAAAG[GT>G]CAGTGCCTTGAACCCCCAGCCCACGAGGTGGTAACCAGAATAGTTCTTCCTCCATGAATA-3'

ClinVar aggregate classification (germline): Uncertain significance (1 of 4 stars; one submission).

Submission:

Greenwood Genetic Center Diagnostic Laboratories, Greenwood Genetic Center
Classification: Uncertain significance. Last evaluated: 2025-06-20. Review status: criteria provided, single submitter. Criteria: ACMG Guidelines, 2015. Collection method: clinical testing. Allele origin: germline. Affected: yes.
Comment: PVS1_Moderate, PM2